The following is an entry in ClinVar:

NM_020745.4(AARS2):c.43G>A (p.Ala15Thr)

Gene: AARS2 (alanyl-tRNA synthetase 2, mitochondrial; minus strand). Cytogenetic location: 6p21.1.
Variant type: single nucleotide variant.
Coding change: c.43G>A on transcript NM_020745.4 (MANE Select); coding-DNA position 43, G replaced by A.
Protein change: p.Ala15Thr; replaces alanine 15 with threonine.
Molecular consequence: missense variant.
Genome position (GRCh38, 1-based): chr6:44,313,281, C>T on the plus strand (G>A on the coding strand, the complement: AARS2 is on the minus strand). VCF-style: chr6-44313281-C-T. GRCh37 (hg19) VCF-style: chr6-44281018-C-T.
Other names: short protein forms A15T.
Identifiers: ClinVar variation 3481989 (VCV003481989.2).

ClinVar aggregate classification (germline): Uncertain significance. Review status: criteria provided, multiple submitters, no conflicts (2 of 4 stars). 2 submissions from 2 submitters: Uncertain significance (2). Last evaluated 2026-09-01.

Conditions:
Inborn genetic diseases. Identifiers: MedGen C0950123, MeSH D030342.

gnomAD v4.1: 8 of 1,598,266 alleles (0.0005%); highest among the groups gnomAD compares: Admixed American, 0.01%; no homozygotes.

Submissions (2):

CeGaT Center for Human Genetics Tuebingen
Classification: Uncertain significance. Last evaluated: 2026-09-01. Review status: criteria provided, single submitter. Criteria: CeGaT Center For Human Genetics Tuebingen Variant Classification Criteria Version 2. Collection method: clinical testing. Allele origin: germline. Affected: yes. Observed: 1 variant allele.
Comment: AARS2: PM2

Ambry Genetics
Classification: Uncertain significance for Inborn genetic diseases. Last evaluated: 2024-11-14. Review status: criteria provided, single submitter. Criteria: Ambry Variant Classification Scheme 2023. Collection method: clinical testing. Allele origin: germline.